The following is an entry in ClinVar:

NM_001104631.2(PDE4D):c.114CCA[3] (p.His39_Gln40insHis)

Gene: PDE4D (phosphodiesterase 4D; minus strand). Cytogenetic location: 5q12.1.
Variant type: Microsatellite.
Coding change: c.114CCA[3] on transcript NM_001104631.2 (MANE Select); three copies in a row of the 3-base unit CCA starting at c.114; the reference has two copies in a row; one copy, 3 bases duplicated.
Protein change: p.His39_Gln40insHis.
Molecular consequence: intron variant (on NM_001364599.1).
Genome position (GRCh38, 1-based): chr5:59,893,504-59,893,506, TGG duplicated on the plus strand (CCA on the coding strand, the reverse complement: PDE4D is on the minus strand); duplicating any 3 consecutive bases within chr5:59,893,504-59,893,511 gives the same sequence; the position shown is the placement nearest the transcript's 3' end. VCF-style (leftmost placement, unchanged base first): chr5-59893503-C-CTGG. GRCh37 (hg19) VCF-style: chr5-59189330-C-CTGG.
Other names: c.272+94979CCA[3] (NM_001364599.1, NM_001165899.2, NM_001364600.2); c.-240+94979CCA[3] (NM_001349243.2); c.242+94979CCA[3] (NM_001349241.2).
Identifiers: ClinVar variation 3621975 (VCV003621975.2).

ClinVar aggregate classification (germline): Uncertain significance (1 of 4 stars; one submission).

Submission:

Labcorp Genetics (formerly Invitae), Labcorp
Classification: Uncertain significance. Last evaluated: 2025-06-15. Review status: criteria provided, single submitter. Criteria: Invitae Variant Classification Sherloc (09022015). Collection method: clinical testing. Allele origin: germline.
Comment: This variant, c.117_119dup, results in the insertion of 1 amino acid(s) of the PDE4D protein (p.His39dup), but otherwise preserves the integrity of the reading frame. This variant is not present in population databases (gnomAD no frequency). This variant has not been reported in the literature in individuals affected with PDE4D-related conditions. In summary, the available evidence is currently insufficient to determine the role of this variant in disease. Therefore, it has been classified as a Variant of Uncertain Significance.